The following is an entry in ClinVar:

NM_004924.6(ACTN4):c.1926C>T (p.Ser642=)

Gene: ACTN4 (actinin alpha 4; plus strand). Cytogenetic location: 19q13.2.
Variant type: single nucleotide variant.
Coding change: c.1926C>T on transcript NM_004924.6 (MANE Select); coding-DNA position 1926, C replaced by T.
Protein change: p.Ser642=; no amino-acid change (serine 642 retained).
Molecular consequence: synonymous variant.
Genome position (GRCh38, 1-based): chr19:38,724,481, C>T. VCF-style: chr19-38724481-C-T. GRCh37 (hg19) VCF-style: chr19-39215121-C-T.
Other names: c.1926C>T, p.Ser642= (NM_001322033.2, NM_001411143.1, NM_001440296.1 and 2 more transcripts); c.1674C>T, p.Ser558= (NM_001440299.1).
Identifiers: ClinVar variation 4978493 (VCV004978493.1).

ClinVar aggregate classification (germline): Uncertain significance (1 of 4 stars; one submission).

Conditions:
ACTN4-related disorder. Also called: ACTN4-related condition.

gnomAD v4.1: 74 of 1,613,406 alleles (0.0046%); highest among the groups gnomAD compares: Non-Finnish European, 0.0058%; no homozygotes.

Submission:

PreventionGenetics, part of Exact Sciences
Classification: Uncertain significance for ACTN4-related condition. Last evaluated: 2026-03-31. Review status: criteria provided, single submitter. Criteria: ACMG Guidelines, 2015. Collection method: clinical testing. Allele origin: germline.
Comment: The ACTN4 c.1926C>T variant is not predicted to result in an amino acid change (p.=). This variant is predicted to create a cryptic splice donor site based on available splicing prediction programs (Alamut Visual Plus v1.6.1). However, the use of computer prediction programs is not equivalent to functional evidence. To our knowledge, this variant has not been reported in the literature. This variant is reported in 0.0056% of alleles in individuals of Latino descent in gnomAD. At this time, the clinical significance of this variant is uncertain due to the absence of conclusive functional and genetic evidence.